The following is an entry in ClinVar:

ClinVar aggregate classification (germline): Uncertain significance (1 of 4 stars; one submission).

Submission:

GeneDx
Classification: Uncertain significance. Last evaluated: 2024-10-01. Review status: criteria provided, single submitter. Criteria: GeneDx Variant Classification Process June 2021. Collection method: clinical testing. Allele origin: germline. Affected: yes.
Comment: Not observed at significant frequency in large population cohorts (gnomAD); In silico analysis supports that this missense variant has a deleterious effect on protein structure/function; Has not been previously published as pathogenic or benign to our knowledge

NM_198503.5(KCNT2):c.1561G>T (p.Val521Phe)

Gene: KCNT2 (potassium sodium-activated channel subfamily T member 2; minus strand). Cytogenetic location: 1q31.3.
Variant type: single nucleotide variant.
Coding change: c.1561G>T on transcript NM_198503.5 (MANE Select); coding-DNA position 1561, G replaced by T.
Protein change: p.Val521Phe; replaces valine 521 with phenylalanine.
Molecular consequence: missense variant. On other transcripts: non-coding transcript variant (2).
Genome position (GRCh38, 1-based): chr1:196,340,563, C>A on the plus strand (G>T on the coding strand, the complement: KCNT2 is on the minus strand). VCF-style: chr1-196340563-C-A. GRCh37 (hg19) VCF-style: chr1-196309693-C-A.
Other names: c.1561G>T, p.Val521Phe (NM_001287819.3); c.1411G>T, p.Val471Phe (NM_001287820.3); short protein forms V471F, V521F.
Identifiers: ClinVar variation 3776484 (VCV003776484.1).